The following is an entry in ClinVar:

ClinVar aggregate classification (germline): Uncertain significance (1 of 4 stars; one submission).

Conditions:
Mitochondrial DNA depletion syndrome 9 (MTDPS9). Also called: SUCLG1-Related Mitochondrial DNA Depletion Syndrome, Encephalomyopathic Form with Methylmalonic Aciduria. Identifiers: Orphanet 17, MedGen C3151476, MONDO:0009504, OMIM 245400.

Allele frequency attached by ClinVar (database versions not stated): ExAC 0.00001; gnomAD 0.00001; TOPMed 0.00002.
gnomAD v4.1: 11 of 1,613,966 alleles (0.00068%); highest among the groups gnomAD compares: Admixed American, 0.0017%; no homozygotes.

Submission:

Labcorp Genetics (formerly Invitae), Labcorp
Classification: Uncertain significance for Mitochondrial DNA depletion syndrome 9. Last evaluated: 2022-02-08. Review status: criteria provided, single submitter. Criteria: Invitae Variant Classification Sherloc (09022015). Collection method: clinical testing. Allele origin: germline.
Comment: This sequence change replaces threonine, which is neutral and polar, with methionine, which is neutral and non-polar, at codon 335 of the SUCLG1 protein (p.Thr335Met). This variant is present in population databases (rs765965664, gnomAD 0.007%). This variant has not been reported in the literature in individuals affected with SUCLG1-related conditions. Algorithms developed to predict the effect of missense changes on protein structure and function are either unavailable or do not agree on the potential impact of this missense change (SIFT: "Deleterious"; PolyPhen-2: "Benign"; Align-GVGD: "Class C0"). In summary, the available evidence is currently insufficient to determine the role of this variant in disease. Therefore, it has been classified as a Variant of Uncertain Significance.

NM_003849.4(SUCLG1):c.1004C>T (p.Thr335Met)

Gene: SUCLG1 (succinate-CoA ligase GDP/ADP-forming subunit alpha; minus strand). Cytogenetic location: 2p11.2.
Variant type: single nucleotide variant.
Coding change: c.1004C>T on transcript NM_003849.4 (MANE Select); coding-DNA position 1004, C replaced by T.
Protein change: p.Thr335Met; replaces threonine 335 with methionine.
Molecular consequence: missense variant.
Genome position (GRCh38, 1-based): chr2:84,425,425, G>A on the plus strand (C>T on the coding strand, the complement: SUCLG1 is on the minus strand). VCF-style: chr2-84425425-G-A. GRCh37 (hg19) VCF-style: chr2-84652549-G-A.
Other names: short protein forms T335M.
Identifiers: ClinVar variation 2198014 (VCV002198014.1), dbSNP rs765965664, ClinGen allele CA1736129.